The following is an entry in ClinVar:

NM_001848.3(COL6A1):c.1022G>A (p.Gly341Asp)

Gene: COL6A1 (collagen type VI alpha 1 chain; plus strand). Cytogenetic location: 21q22.3.
Variant type: single nucleotide variant.
Coding change: c.1022G>A on transcript NM_001848.3 (MANE Select); coding-DNA position 1022, G replaced by A.
Protein change: p.Gly341Asp; replaces glycine 341 with aspartic acid.
Molecular consequence: missense variant.
Genome position (GRCh38, 1-based): chr21:45,990,792, G>A. VCF-style: chr21-45990792-G-A. GRCh37 (hg19) VCF-style: chr21-47410706-G-A.
Other names: c.1022G>A (NM_001848.2); short protein forms G341D.
Identifiers: ClinVar variation 17172 (VCV000017172.42), dbSNP rs121912935, ClinGen allele CA257736.

ClinVar aggregate classification (germline): Pathogenic. Review status: criteria provided, multiple submitters, no conflicts (2 of 4 stars). 4 submissions from 4 submitters: Pathogenic (3). 1 of the submissions does not count toward it. Last evaluated 2026-02-27.

Conditions:
Bethlem myopathy 1A. Also called: MYOPATHY, BENIGN CONGENITAL, WITH CONTRACTURES; Bethlem Muscular Dystrophy; Bethlem myopathy 1. Identifiers: Orphanet 610, MedGen CN029274, MONDO:0024530, OMIM 158810.

Submissions (4):

GeneDx
Classification: Pathogenic. Last evaluated: 2026-02-27. Review status: criteria provided, single submitter. Criteria: GeneDx Variant Classification Process June 2021. Collection method: clinical testing. Allele origin: germline.
Comment: Identified in a patient with collagen VI myopathy, intermediate phenotype in published literature; a second COL6A1 variant was also reported (PMID: 24038877); Not observed at significant frequency in large population cohorts (gnomAD); In silico analysis supports that this missense variant has a deleterious effect on protein structure/function; Replaces the glycine in the canonical Gly-X-Y repeat of the triple helical domain and is expected to disrupt normal protein folding and function, which is an established mechanism of disease (HGMD); This variant is associated with the following publications: (PMID: 37526466, 27447704, 25525159, 26436962, 15689448, 15955946, 34167565, 24038877, 11865138, 39548682)

Labcorp Genetics (formerly Invitae), Labcorp
Classification: Pathogenic for Bethlem myopathy 1A. Last evaluated: 2023-02-18. Review status: criteria provided, single submitter. Criteria: Invitae Variant Classification Sherloc (09022015). Collection method: clinical testing. Allele origin: germline.
Comment: For these reasons, this variant has been classified as Pathogenic. This variant disrupts the p.Gly341 amino acid residue in COL6A1. Other variant(s) that disrupt this residue have been observed in individuals with COL6A1-related conditions (PMID: 15689448, 15955946, 26436962; Invitae), which suggests that this may be a clinically significant amino acid residue. This variant disrupts the triple helix domain of COL6A1. Glycine residues within the Gly-Xaa-Yaa repeats of the triple helix domain are required for the structure and stability of fibrillar collagens (PMID: 7695699, 8218237, 19344236). In COL6A1, variants at these glycine residues are significantly enriched in individuals with autosomal dominant disease (PMID: 15689448, 24038877) compared to the general population (ExAC). Advanced modeling of protein sequence and biophysical properties (such as structural, functional, and spatial information, amino acid conservation, physicochemical variation, residue mobility, and thermodynamic stability) performed at Invitae indicates that this missense variant is expected to disrupt COL6A1 protein function. ClinVar contains an entry for this variant (Variation ID: 17172). This missense change has been observed in individuals with autosomal dominant collagenopathies (PMID: 11865138; Invitae). It has also been observed to segregate with disease in related individuals. This variant is not present in population databases (gnomAD no frequency). This sequence change replaces glycine, which is neutral and non-polar, with aspartic acid, which is acidic and polar, at codon 341 of the COL6A1 protein (p.Gly341Asp).

CeGaT Center for Human Genetics Tuebingen
Classification: Pathogenic. Last evaluated: 2022-07-01. Review status: criteria provided, single submitter. Criteria: CeGaT Center For Human Genetics Tuebingen Variant Classification Criteria Version 2. Collection method: clinical testing. Allele origin: germline. Affected: yes. Observed: 1 variant allele.
Comment: COL6A1: PM1:Strong, PM2, PM5, PM6, PS4:Moderate, PP4

OMIM
Classification: Pathogenic for BETHLEM MYOPATHY 1A. Last evaluated: 2002-02-26. Review status: no assertion criteria provided. Collection method: literature only. Allele origin: germline. Not counted in ClinVar's aggregate classification.

Literature cited by the submitters: PubMed 15689448 (cited by Labcorp Genetics (formerly Invitae), Labcorp); PubMed 15955946 (cited by Labcorp Genetics (formerly Invitae), Labcorp); PubMed 26436962 (cited by Labcorp Genetics (formerly Invitae), Labcorp); PubMed 7695699 (cited by Labcorp Genetics (formerly Invitae), Labcorp); PubMed 8218237 (cited by Labcorp Genetics (formerly Invitae), Labcorp); PubMed 19344236 (cited by Labcorp Genetics (formerly Invitae), Labcorp); PubMed 24038877 (cited by Labcorp Genetics (formerly Invitae), Labcorp); PubMed 11865138 (cited by Labcorp Genetics (formerly Invitae), Labcorp and OMIM).